The following is an entry in ClinVar:

NM_014712.3(SETD1A):c.4169G>A (p.Arg1390Gln)

Gene: SETD1A (SET domain containing 1A, histone lysine methyltransferase; plus strand). Cytogenetic location: 16p11.2.
Variant type: single nucleotide variant.
Coding change: c.4169G>A on transcript NM_014712.3 (MANE Select); coding-DNA position 4169, G replaced by A.
Protein change: p.Arg1390Gln; replaces arginine 1390 with glutamine.
Molecular consequence: missense variant.
Genome position (GRCh38, 1-based): chr16:30,979,955, G>A. VCF-style: chr16-30979955-G-A. GRCh37 (hg19) VCF-style: chr16-30991276-G-A.
Other names: c.4169G>A (NM_014712.2); short protein forms R1390Q.
Identifiers: ClinVar variation 930685 (VCV000930685.29), dbSNP rs779334694, ClinGen allele CA8017464.
Genomic context (GRCh38, chr16:30,979,955, plus strand): 5'-AGGAAGAGGAGGAGGAGTCCTCTGACAGCAGCAGCAGCAGCGATGGGGAGGGCGCCCTCC[G>A]GAGGCGCAGCCTCCGCTCCCACGCCCGGCGCCGCCGCCCTCCGCCCCCACCCCCGCCGCC-3'
Protein context (NP_055527.1, residues 1380-1400): SSSSDGEGAL[Arg1390Gln]RRSLRSHARR

ClinVar aggregate classification (germline): Conflicting classifications of pathogenicity. Review status: criteria provided, conflicting classifications (1 of 4 stars). 5 submissions from 5 submitters: Uncertain significance (1); Likely benign (2). 2 of the submissions do not count toward it. Last evaluated 2024-08-27.

Conditions:
SETD1A-related disorder. Also called: SETD1A-related condition.
Inborn genetic diseases. Identifiers: MedGen C0950123, MeSH D030342.
Epilepsy, early-onset, with or without developmental delay. Identifiers: MedGen C5882670, MONDO:0030005, OMIM 618832.

Allele frequency attached by ClinVar (database versions not stated): 1000 Genomes Project 30x 0.00016; TOPMed 0.00040; gnomAD 0.00050 and 0.00054; gnomAD exomes 0.00056; ExAC 0.00072.

Submissions (5):

Ambry Genetics
Classification: Likely benign for Inborn genetic diseases. Last evaluated: 2024-08-27. Review status: criteria provided, single submitter. Criteria: Ambry Variant Classification Scheme 2023. Collection method: clinical testing. Allele origin: germline.

CeGaT Center for Human Genetics Tuebingen
Classification: Likely benign. Last evaluated: 2023-03-01. Review status: criteria provided, single submitter. Criteria: CeGaT Center For Human Genetics Tuebingen Variant Classification Criteria Version 2. Collection method: clinical testing. Allele origin: germline. Affected: yes. Observed: 2 variant alleles.
Comment: SETD1A: BS2

Centre for Mendelian Genomics, University Medical Centre Ljubljana
Classification: Uncertain significance for Epilepsy, early-onset, with or without developmental delay. Last evaluated: 2019-03-20. Review status: criteria provided, single submitter. Criteria: ACMG Guidelines, 2015. Collection method: clinical testing. Allele origin: unknown. Affected: yes.
Comment: This variant was classified as: Uncertain significance. The available evidence on this variant's pathogenicity is insufficient or conflicting. The following ACMG criteria were applied in classifying this variant: PP3.

PreventionGenetics, part of Exact Sciences
Classification: Likely benign for SETD1A-related condition. Last evaluated: 2023-06-08. Review status: no assertion criteria provided. Collection method: clinical testing. Allele origin: germline. Not counted in ClinVar's aggregate classification.
Comment: This variant is classified as likely benign based on ACMG/AMP sequence variant interpretation guidelines (Richards et al. 2015 PMID: 25741868, with internal and published modifications).

Genetics and Genomic Medicine Centre, NeuroGen Healthcare, NeuroGen Healthcare
Classification: Uncertain significance. Last evaluated: 2021-05-28. Review status: no assertion criteria provided. Collection method: clinical testing. Allele origin: unknown. Affected: yes. Not counted in ClinVar's aggregate classification.